The following is an entry in ClinVar:

NM_000334.4(SCN4A):c.724G>A (p.Ala242Thr)

Gene: SCN4A (sodium voltage-gated channel alpha subunit 4; minus strand). Cytogenetic location: 17q23.3.
Variant type: single nucleotide variant.
Coding change: c.724G>A on transcript NM_000334.4 (MANE Select); coding-DNA position 724, G replaced by A.
Protein change: p.Ala242Thr; replaces alanine 242 with threonine.
Molecular consequence: missense variant.
Genome position (GRCh38, 1-based): chr17:63,968,335, C>T on the plus strand (G>A on the coding strand, the complement: SCN4A is on the minus strand). VCF-style: chr17-63968335-C-T. GRCh37 (hg19) VCF-style: chr17-62045695-C-T.
Other names: short protein forms A242T.
Identifiers: ClinVar variation 2633064 (VCV002633064.2), dbSNP rs1459693919, ClinGen allele CA400637868.
Genomic context (GRCh38, chr17:63,968,335, plus strand): 5'-TCAGGCAGAAGACAGTGAGGATCATCACATCCGACAGCTTTTTCACCGACTGGATCAGGG[C>T]CCCCACGATCGTCTTCAGCCCTGACCGCAGAGAGGGCAAGGATATTGGCAGGGGGCAGGG-3'
Protein context (NP_000325.4, residues 232-252): VIPGLKTIVG[Ala242Thr]LIQSVKKLSD

ClinVar aggregate classification (germline): Uncertain significance. Review status: criteria provided, multiple submitters, no conflicts (2 of 4 stars). 2 submissions from 2 submitters: Uncertain significance (2). Last evaluated 2025-06-20.

Conditions:
Hyperkalemic periodic paralysis. Also called: Familial hyperkalemic periodic paralysis; Gamstorp disease. Identifiers: Orphanet 682, MedGen C0238357, MONDO:0008224, OMIM 170500, HP:0007215.
SCN4A-related disorder. Also called: SCN4A-related disorders.

Submissions (2):

Labcorp Genetics (formerly Invitae), Labcorp
Classification: Uncertain significance for Hyperkalemic periodic paralysis. Last evaluated: 2025-06-20. Review status: criteria provided, single submitter. Criteria: Invitae Variant Classification Sherloc (09022015). Collection method: clinical testing. Allele origin: germline.
Comment: This sequence change replaces alanine, which is neutral and non-polar, with threonine, which is neutral and polar, at codon 242 of the SCN4A protein (p.Ala242Thr). This variant is not present in population databases (gnomAD no frequency). This variant has not been reported in the literature in individuals affected with SCN4A-related conditions. ClinVar contains an entry for this variant (Variation ID: 2633064). Invitae Evidence Modeling of protein sequence and biophysical properties (such as structural, functional, and spatial information, amino acid conservation, physicochemical variation, residue mobility, and thermodynamic stability) has been performed for this missense variant. However, the output from this modeling did not meet the statistical confidence thresholds required to predict the impact of this variant on SCN4A protein function. In summary, the available evidence is currently insufficient to determine the role of this variant in disease. Therefore, it has been classified as a Variant of Uncertain Significance.

PreventionGenetics, part of Exact Sciences
Classification: Uncertain significance for SCN4A-related condition. Last evaluated: 2023-05-24. Review status: criteria provided, single submitter. Criteria: ACMG Guidelines, 2015. Collection method: clinical testing. Allele origin: germline.
Comment: The SCN4A c.724G>A variant is predicted to result in the amino acid substitution p.Ala242Thr. To our knowledge, this variant has not been reported in the literature or in a large population database, indicating this variant is rare. At this time, the clinical significance of this variant is uncertain due to the absence of conclusive functional and genetic evidence.